The following is an entry in ClinVar:

NM_003070.5(SMARCA2):c.149C>T (p.Pro50Leu)

Gene: SMARCA2 (SWI/SNF related BAF chromatin remodeling complex subunit ATPase 2; plus strand). Cytogenetic location: 9p24.3.
Variant type: single nucleotide variant.
Coding change: c.149C>T on transcript NM_003070.5 (MANE Select); coding-DNA position 149, C replaced by T.
Protein change: p.Pro50Leu; replaces proline 50 with leucine.
Molecular consequence: missense variant.
Genome position (GRCh38, 1-based): chr9:2,029,171, C>T. VCF-style: chr9-2029171-C-T. GRCh37 (hg19) VCF-style: chr9-2029171-C-T.
Other names: c.149C>T, p.Pro50Leu (NM_001289396.2, NM_001289397.2, NM_139045.4); short protein forms P50L.
Identifiers: ClinVar variation 4530861 (VCV004530861.1).

ClinVar aggregate classification (germline): Uncertain significance (1 of 4 stars; one submission).

Submission:

GeneDx
Classification: Uncertain significance. Last evaluated: 2025-05-20. Review status: criteria provided, single submitter. Criteria: GeneDx Variant Classification Process June 2021. Collection method: clinical testing. Allele origin: germline. Affected: yes.
Comment: Not observed at significant frequency in large population cohorts (gnomAD); In silico analysis supports that this missense variant has a deleterious effect on protein structure/function; Has not been previously published as pathogenic or benign to our knowledge